The following is an entry in ClinVar:

ClinVar aggregate classification (germline): Uncertain significance. Review status: criteria provided, multiple submitters, no conflicts (2 of 4 stars). 3 submissions from 3 submitters: Uncertain significance (3). Last evaluated 2026-01-07.

Conditions:
Charcot-Marie-Tooth disease type 2. Also called: Charcot-Marie-Tooth type 2. Identifiers: Orphanet 64746, MedGen C0270914, MONDO:0018993.
Primary dilated cardiomyopathy (DCM). Also called: Dilated Cardiomyopathy. Identifiers: Orphanet 217604, MedGen C0007193, MeSH D002311, MONDO:0005021, HP:0001644. Inheritance: Various modes of inheritance.
Cardiomyopathy (CMYO). Also called: Cardiomyopathies. Identifiers: Orphanet 167848, MedGen C0878544, MONDO:0004994, HP:0001638. Inheritance: Various modes of inheritance.

Allele frequency attached by ClinVar (database versions not stated): gnomAD 0.00001; TOPMed 0.00001.
gnomAD v4.1: 1 of 1,613,860 alleles (0.000062%); highest among the groups gnomAD compares: African/African-American, 0.0013%; no homozygotes.

Submissions (3):

Labcorp Genetics (formerly Invitae), Labcorp
Classification: Uncertain significance for Charcot-Marie-Tooth disease type 2. Last evaluated: 2026-01-07. Review status: criteria provided, single submitter. Criteria: Invitae Variant Classification Sherloc (09022015). Collection method: clinical testing. Allele origin: germline.
Comment: This sequence change replaces glutamic acid, which is acidic and polar, with lysine, which is basic and polar, at codon 279 of the LMNA protein (p.Glu279Lys). This variant is not present in population databases (gnomAD no frequency). This variant has not been reported in the literature in individuals affected with LMNA-related conditions. ClinVar contains an entry for this variant (Variation ID: 915591). Invitae Evidence Modeling of protein sequence and biophysical properties (such as structural, functional, and spatial information, amino acid conservation, physicochemical variation, residue mobility, and thermodynamic stability) indicates that this missense variant is expected to disrupt LMNA protein function with a positive predictive value of 95%. In summary, the available evidence is currently insufficient to determine the role of this variant in disease. Therefore, it has been classified as a Variant of Uncertain Significance.

All of Us Research Program, National Institutes of Health
Classification: Uncertain significance for Primary dilated cardiomyopathy. Last evaluated: 2024-05-09. Review status: criteria provided, single submitter. Criteria: ACMG Guidelines, 2015. Collection method: clinical testing. Allele origin: germline. Inheritance: Autosomal dominant inheritance. Observed: 2 variant alleles, 2 heterozygotes.
Comment: This missense variant replaces glutamic acid with lysine at codon 279 of the LMNA protein. Computational prediction is inconclusive regarding the impact of this variant on protein structure and function (internally defined REVEL score threshold 0.5 < inconclusive < 0.7, PMID: 27666373). To our knowledge, functional studies have not been reported for this variant. This variant has not been reported in individuals affected with LMNA-related disorders in the literature. This variant has not been identified in the general population by the Genome Aggregation Database (gnomAD). The available evidence is insufficient to determine the role of this variant in disease conclusively. Therefore, this variant is classified as a Variant of Uncertain Significance.

This study involves interpretation of variants in research participants for the purpose of population health screening. Participant phenotype was not available at the time of variant classification. Additional details can be found in publication PMID: 35346344, PMCID: PMC8962531

CHEO Genetics Diagnostic Laboratory, Children's Hospital of Eastern Ontario
Classification: Uncertain significance for Cardiomyopathy. Last evaluated: 2018-02-27. Review status: criteria provided, single submitter. Criteria: ACMG Guidelines, 2015. Collection method: clinical testing. Allele origin: germline.

NM_170707.4(LMNA):c.835G>A (p.Glu279Lys)

Gene: LMNA (lamin A/C; plus strand). Cytogenetic location: 1q22.
Variant type: single nucleotide variant.
Coding change: c.835G>A on transcript NM_170707.4 (MANE Select); coding-DNA position 835, G replaced by A.
Protein change: p.Glu279Lys; replaces glutamic acid 279 with lysine.
Molecular consequence: missense variant.
Genome position (GRCh38, 1-based): chr1:156,135,211, G>A. VCF-style: chr1-156135211-G-A. GRCh37 (hg19) VCF-style: chr1-156105002-G-A.
Other names: c.499G>A, p.Glu167Lys (NM_001257374.3); c.592G>A, p.Glu198Lys (NM_001282624.2); c.835G>A, p.Glu279Lys (NM_001282625.2, NM_001282626.2, NM_005572.4 and 1 more transcripts); short protein forms E279K, E167K, E198K.
Identifiers: ClinVar variation 915591 (VCV000915591.9), dbSNP rs1651446094, ClinGen allele CA342817518.
Genomic context (GRCh38, chr1:156,135,211, plus strand): 5'-GTCACCACAGTCCTAACCCTTTGTCCTCCCCTCCAGCTGGACAATGCCAGGCAGTCTGCT[G>A]AGAGGAACAGCAACCTGGTGGGGGCTGCCCACGAGGAGCTGCAGCAGTCGCGCATCCGCA-3'
Protein context (NP_733821.1, residues 269-289): AKLDNARQSA[Glu279Lys]RNSNLVGAAH